The following is an entry in ClinVar:

ClinVar aggregate classification (germline): Pathogenic (1 of 4 stars; one submission).

Submission:

Labcorp Genetics (formerly Invitae), Labcorp
Classification: Pathogenic. Last evaluated: 2023-08-29. Review status: criteria provided, single submitter. Criteria: Invitae Variant Classification Sherloc (09022015). Collection method: clinical testing. Allele origin: germline.
Comment: This missense change has been observed in individual(s) with progressive pseudorheumatoid dysplasia (PMID: 21993478, 22685593, 25553839, 25738435, 28018607). In at least one individual the data is consistent with being in trans (on the opposite chromosome) from a pathogenic variant. It has also been observed to segregate with disease in related individuals. For these reasons, this variant has been classified as Pathogenic. This variant disrupts the p.Cys114 amino acid residue in WISP3. Other variant(s) that disrupt this residue have been observed in individuals with WISP3-related conditions (PMID: 19064006, 22987568, 30635069), which suggests that this may be a clinically significant amino acid residue. Advanced modeling of protein sequence and biophysical properties (such as structural, functional, and spatial information, amino acid conservation, physicochemical variation, residue mobility, and thermodynamic stability) performed at Invitae indicates that this missense variant is expected to disrupt WISP3 protein function. ClinVar contains an entry for this variant (Variation ID: 1072578). This variant is also known as c.369T>G (p.Cys132Trp). This variant is not present in population databases (gnomAD no frequency). This sequence change replaces cysteine, which is neutral and slightly polar, with tryptophan, which is neutral and slightly polar, at codon 114 of the WISP3 protein (p.Cys114Trp).

Literature cited by the submitters: PubMed 21993478; PubMed 22685593; PubMed 25553839; PubMed 25738435; PubMed 28018607; PubMed 19064006; PubMed 22987568; PubMed 30635069.

NM_198239.2(CCN6):c.342T>G (p.Cys114Trp)

Gene: CCN6 (cellular communication network factor 6; plus strand). Cytogenetic location: 6q21.
Variant type: single nucleotide variant.
Coding change: c.342T>G on transcript NM_198239.2 (MANE Select); coding-DNA position 342, T replaced by G.
Protein change: p.Cys114Trp; replaces cysteine 114 with tryptophan.
Molecular consequence: missense variant. On other transcripts: non-coding transcript variant (2).
Genome position (GRCh38, 1-based): chr6:112,061,284, T>G. VCF-style: chr6-112061284-T-G. GRCh37 (hg19) VCF-style: chr6-112382487-T-G.
Other names: c.342T>G, p.Cys114Trp (NM_003880.4); short protein forms C114W.
Identifiers: ClinVar variation 1072578 (VCV001072578.9), dbSNP rs1776514016, ClinGen allele CA365370256.
Genomic context (GRCh38, chr6:112,061,284, plus strand): 5'-ACACAAAGGGCTGTATTGTGACTACTCAGTAGACAGGCCTAGGTACGAGACTGGAGTGTG[T>G]GCATGTAAGTGTCTTCTTCTGGACCTGCTGGAAAAGATTGAGTCTAGACAGAATTTTTTT-3'
Protein context (NP_937882.2, residues 104-124): VDRPRYETGV[Cys114Trp]AYLVAVGCEF